The following is an entry in ClinVar:

NM_019594.4(LRRC8A):c.208C>T (p.Arg70Trp)

Gene: LRRC8A (leucine rich repeat containing 8 VRAC subunit A; plus strand). Cytogenetic location: 9q34.11.
Variant type: single nucleotide variant.
Coding change: c.208C>T on transcript NM_019594.4 (MANE Select); coding-DNA position 208, C replaced by T.
Protein change: p.Arg70Trp; replaces arginine 70 with tryptophan.
Molecular consequence: missense variant.
Genome position (GRCh38, 1-based): chr9:128,907,372, C>T. VCF-style: chr9-128907372-C-T. GRCh37 (hg19) VCF-style: chr9-131669651-C-T.
Other names: c.208C>T, p.Arg70Trp (NM_001127244.2, NM_001127245.2); c.208C>T (NM_001127244.1); short protein forms R70W.
Identifiers: ClinVar variation 1469130 (VCV001469130.8), dbSNP rs140911584, ClinGen allele CA5270675.

ClinVar aggregate classification (germline): Uncertain significance. Review status: criteria provided, multiple submitters, no conflicts (2 of 4 stars). 2 submissions from 2 submitters: Uncertain significance (2). Last evaluated 2025-12-28.

Allele frequency attached by ClinVar (database versions not stated): ExAC 0.00005; gnomAD 0.00007 and 0.00009; gnomAD exomes 0.00007 and 0.00021; TOPMed 0.00007; ESP Exome Variant Server 0.00015.
gnomAD v4.1: 309 of 1,613,438 alleles (0.019%); highest among the groups gnomAD compares: Non-Finnish European, 0.025%; no homozygotes.

Submissions (2):

Labcorp Genetics (formerly Invitae), Labcorp
Classification: Uncertain significance. Last evaluated: 2025-12-28. Review status: criteria provided, single submitter. Criteria: Invitae Variant Classification Sherloc (09022015). Collection method: clinical testing. Allele origin: germline.
Comment: This sequence change replaces arginine, which is basic and polar, with tryptophan, which is neutral and slightly polar, at codon 70 of the LRRC8A protein (p.Arg70Trp). This variant is present in population databases (rs140911584, gnomAD 0.01%). This variant has not been reported in the literature in individuals affected with LRRC8A-related conditions. ClinVar contains an entry for this variant (Variation ID: 1469130). An algorithm developed to predict the effect of missense changes on protein structure and function (PolyPhen-2) suggests that this variant is likely to be tolerated. In summary, the available evidence is currently insufficient to determine the role of this variant in disease. Therefore, it has been classified as a Variant of Uncertain Significance.

Ambry Genetics
Classification: Uncertain significance. Last evaluated: 2024-06-26. Review status: criteria provided, single submitter. Criteria: Ambry Variant Classification Scheme 2023. Collection method: clinical testing. Allele origin: germline.